The following is an entry in ClinVar:

NM_004304.5(ALK):c.3616T>G (p.Ser1206Ala)

Gene: ALK (ALK receptor tyrosine kinase; minus strand). Cytogenetic location: 2p23.2.
Variant type: single nucleotide variant.
Coding change: c.3616T>G on transcript NM_004304.5 (MANE Select); coding-DNA position 3616, T replaced by G.
Protein change: p.Ser1206Ala; replaces serine 1206 with alanine.
Molecular consequence: missense variant.
Genome position (GRCh38, 1-based): chr2:29,220,735, A>C on the plus strand (T>G on the coding strand, the complement: ALK is on the minus strand). VCF-style: chr2-29220735-A-C. GRCh37 (hg19) VCF-style: chr2-29443601-A-C.
Other names: c.412T>G, p.Ser138Ala (NM_001353765.2); short protein forms S138A, S1206A.
Identifiers: ClinVar variation 2068352 (VCV002068352.4), dbSNP rs2465944753, ClinGen allele CA346472999.

ClinVar aggregate classification (germline): Uncertain significance (1 of 4 stars; one submission).

Conditions:
Neuroblastoma, susceptibility to, 3. Also called: ALK-Related Neuroblastic Tumor Susceptibility. Identifiers: Orphanet 635, MedGen C2751681, MONDO:0013083, OMIM 613014.

Submission:

Labcorp Genetics (formerly Invitae), Labcorp
Classification: Uncertain significance for Neuroblastoma, susceptibility to, 3. Last evaluated: 2022-01-11. Review status: criteria provided, single submitter. Criteria: Invitae Variant Classification Sherloc (09022015). Collection method: clinical testing. Allele origin: germline.
Comment: This sequence change replaces serine, which is neutral and polar, with alanine, which is neutral and non-polar, at codon 1206 of the ALK protein (p.Ser1206Ala). This variant is not present in population databases (gnomAD no frequency). In summary, the available evidence is currently insufficient to determine the role of this variant in disease. Therefore, it has been classified as a Variant of Uncertain Significance. Algorithms developed to predict the effect of missense changes on protein structure and function are either unavailable or do not agree on the potential impact of this missense change (SIFT: "Deleterious"; PolyPhen-2: "Possibly Damaging"; Align-GVGD: "Class C0"). This variant has not been reported in the literature in individuals affected with ALK-related conditions.